The following is an entry in ClinVar:

ClinVar aggregate classification (germline): Benign (1 of 4 stars; one submission).

gnomAD v4.1: 20,121 of 1,476,852 alleles (1.4%); highest among the groups gnomAD compares: African/African-American, 24%; 2,232 homozygotes.

Submission:

Mayo Clinic Laboratories, Mayo Clinic
Classification: Benign. Last evaluated: 2022-07-08. Review status: criteria provided, single submitter. Criteria: ACMG Guidelines, 2015. Collection method: clinical testing. Allele origin: germline. Observed: 249 variant alleles.
Comment: BS1, BS2, BP4, BP7

NM_003126.4(SPTA1):c.24+27A>G

Gene: SPTA1 (spectrin alpha, erythrocytic 1; minus strand). Cytogenetic location: 1q23.1.
Variant type: single nucleotide variant.
Coding change: c.24+27A>G on transcript NM_003126.4 (MANE Select); 27 bases into the intron after coding-DNA position 24, A replaced by G.
Molecular consequence: intron variant.
Genome position (GRCh38, 1-based): chr1:158,686,467, T>C on the plus strand (A>G on the coding strand, the complement: SPTA1 is on the minus strand). VCF-style: chr1-158686467-T-C. GRCh37 (hg19) VCF-style: chr1-158656257-T-C.
Other names: p.?.
Identifiers: ClinVar variation 4683685 (VCV004683685.1).